The following is an entry in ClinVar:

ClinVar aggregate classification (germline): Conflicting classifications of pathogenicity. Review status: criteria provided, conflicting classifications (1 of 4 stars). 2 submissions from 2 submitters: Uncertain significance (1); Likely benign (1). Last evaluated 2026-03-27.

Allele frequency attached by ClinVar (database versions not stated): gnomAD exomes below 0.00001; ExAC 0.00001; TOPMed 0.00002; 1000 Genomes Project 30x 0.00016; 1000 Genomes Project 0.00020; gnomAD 0.00001 and 0.00003.
gnomAD v4.1: 13 of 1,613,856 alleles (0.00081%); highest among the groups gnomAD compares: African/African-American, 0.012%; no homozygotes.

Submissions (2):

Molecular Diagnostic Laboratory for Inherited Cardiovascular Disease, Montreal Heart Institute
Classification: Likely benign. Last evaluated: 2026-03-27. Review status: criteria provided, single submitter. Criteria: ACMG Guidelines, 2015. Collection method: clinical testing. Allele origin: germline. Affected: no.
Comment: BP1

GeneDx
Classification: Uncertain significance. Last evaluated: 2021-04-08. Review status: criteria provided, single submitter. Criteria: GeneDx Variant Classification Process June 2021. Collection method: clinical testing. Allele origin: germline. Affected: yes.
Comment: Not observed at a significant frequency in large population cohorts (Lek et al., 2016); Missense variant in a gene in which most reported pathogenic variants are truncating/loss-of-function; Has not been previously published as pathogenic or benign to our knowledge

NM_001267550.2(TTN):c.101578G>A (p.Val33860Ile)

Genes: TTN (titin; minus strand), TTN-AS1 (TTN antisense RNA 1; plus strand). Cytogenetic location: 2q31.2.
Variant type: single nucleotide variant.
Coding change: c.101578G>A on transcript NM_001267550.2 (MANE Select); coding-DNA position 101578, G replaced by A.
Protein change: p.Val33860Ile; replaces valine 33860 with isoleucine.
Molecular consequence: missense variant.
Genome position (GRCh38, 1-based): chr2:178,535,037, C>T on the plus strand (G>A on the coding strand, the complement: TTN is on the minus strand). VCF-style: chr2-178535037-C-T. GRCh37 (hg19) VCF-style: chr2-179399764-C-T.
Other names: c.96655G>A, p.Val32219Ile (NM_001256850.1); c.74383G>A, p.Val24795Ile (NM_003319.4); c.93874G>A, p.Val31292Ile (NM_133378.4); c.74758G>A, p.Val24920Ile (NM_133432.3); c.74959G>A, p.Val24987Ile (NM_133437.4); short protein forms V24795I, V24920I, V24987I, V31292I, V32219I, V33860I.
Identifiers: ClinVar variation 1314456 (VCV001314456.3), dbSNP rs141082389, ClinGen allele CA1985863.